The following is an entry in ClinVar:

NM_198578.4(LRRK2):c.2676C>A (p.Asp892Glu)

Gene: LRRK2 (leucine rich repeat kinase 2; plus strand). Cytogenetic location: 12q12.
Variant type: single nucleotide variant.
Coding change: c.2676C>A on transcript NM_198578.4 (MANE Select); coding-DNA position 2676, C replaced by A.
Protein change: p.Asp892Glu; replaces aspartic acid 892 with glutamic acid.
Molecular consequence: missense variant.
Genome position (GRCh38, 1-based): chr12:40,287,526, C>A. VCF-style: chr12-40287526-C-A. GRCh37 (hg19) VCF-style: chr12-40681328-C-A.
Other names: short protein forms D892E.
Identifiers: ClinVar variation 1794605 (VCV001794605.2), dbSNP rs1384457201, ClinGen allele CA384409250.

ClinVar aggregate classification (germline): Uncertain significance (1 of 4 stars; one submission).

Conditions:
Inborn genetic diseases. Identifiers: MedGen C0950123, MeSH D030342.

Allele frequency attached by ClinVar (database versions not stated): TOPMed 0.00001.

Submission:

Ambry Genetics
Classification: Uncertain significance for Inborn genetic diseases. Last evaluated: 2021-11-02. Review status: criteria provided, single submitter. Criteria: Ambry Variant Classification Scheme 2023. Collection method: clinical testing. Allele origin: germline.
Comment: The p.D892E variant (also known as c.2676C>A), located in coding exon 20 of the LRRK2 gene, results from a C to A substitution at nucleotide position 2676. The aspartic acid at codon 892 is replaced by glutamic acid, an amino acid with highly similar properties. This amino acid position is conserved. In addition, the in silico prediction for this alteration is inconclusive. Since supporting evidence is limited at this time, the clinical significance of this alteration remains unclear.